The following is an entry in ClinVar:

ClinVar aggregate classification (germline): Likely pathogenic (1 of 4 stars; one submission).

Conditions:
Neuronal ceroid lipofuscinosis 7 (CLN7). Also called: MFSD8-Related Neuronal Ceroid-Lipofuscinosis. Identifiers: Orphanet 168491, Orphanet 228366, MedGen C1838571, MONDO:0012588, OMIM 610951.

Submission:

Laboratory of Functional Genomics, Research Centre for Medical Genetics
Classification: Likely pathogenic for Neuronal ceroid lipofuscinosis 7. Review status: criteria provided, single submitter. Criteria: ACMG Guidelines, 2015. Collection method: clinical testing. Allele origin: biparental. Affected: yes. Observed: 1 variant allele, 1 homozygote.
Comment: The variant is absent in the GnomAD 4.1.1 population database. Bioinformatic analysis (SpliceAI) predicts that variant creates a cryptic donor splice site, leading to a 98 nt pseudoexon in intron 9. Analysis of cDNA from skin fibroblasts obtained from the proband and her heterozygous father, using RT-PCR coupled with targeted NGS revealed both the reference isoform and the aberrant isoform containing the pseudoexon in intron 9 (chr4:127,922,520–127,922,617). The pseudoexon insertion causes a frameshift and a truncated protein, p.(Ile334Valfs*113). The aberrant isoform comprised 84% of mRNA in the homozygous proband but only 12% in the heterozygous father, consistent with NMD mediated degradation of the mutant transcript. In addition, we performed a minigene assay, which reproduced the results obtained from patient-derived RNA and confirmed that the variant promotes inclusion of the 98‑nt pseudoexon. The variant is classified as likely pathogenic (ACMG: PM2, PS3).

NM_001371596.2(MFSD8):c.999-556C>G

Gene: MFSD8 (major facilitator superfamily domain containing 8; minus strand). Cytogenetic location: 4q28.2.
Variant type: single nucleotide variant.
Coding change: c.999-556C>G on transcript NM_001371596.2 (MANE Select); 556 bases into the intron before coding-DNA position 999, C replaced by G.
Molecular consequence: intron variant.
Genome position (GRCh38, 1-based): chr4:127,922,519, G>C on the plus strand (C>G on the coding strand, the complement: MFSD8 is on the minus strand). VCF-style: chr4-127922519-G-C. GRCh37 (hg19) VCF-style: chr4-128843674-G-C.
Other names: chr4:127922519G>C; c.717-556C>G (NM_001371595.1); c.549-556C>G (NM_001410765.1); c.864-556C>G (NM_001371590.2); c.999-556C>G (NM_152778.4, NM_001371591.2); c.684-556C>G (NM_001363521.3); c.885-748C>G (NM_001410766.1); c.885-556C>G (NM_001371593.2); and 4 more.
Identifiers: ClinVar variation 4876708 (VCV004876708.1).
Genomic context (GRCh38, chr4:127,922,519, plus strand): 5'-ACAAAAAATTTTAAAAATTAGCCAGGAGTGGTATTTGGTGCCTGTAGTTCTAGCTACTTA[G>C]GAGGTTGAGGCAGGAGGATTACTTGAGCCCAGGAGGTCAAGGCTGCAATGAGCTGTGATG-3'